The following is an entry in ClinVar:

NM_001352754.2(ARMC9):c.1255_1266del (p.Glu419_Leu422del)

Gene: ARMC9 (armadillo repeat containing 9; plus strand). Cytogenetic location: 2q37.1.
Variant type: Deletion.
Coding change: c.1255_1266del on transcript NM_001352754.2 (MANE Select); coding-DNA positions 1255 to 1266, 12 bases deleted (GAGGGAAGGCTG).
Protein change: p.Glu419_Leu422del.
Molecular consequence: inframe deletion. On other transcripts: non-coding transcript variant (1).
Genome position (GRCh38, 1-based): chr2:231,272,999-231,273,010, GAGGGAAGGCTG deleted; deleting any 12 consecutive bases within chr2:231,272,995-231,273,010 gives the same sequence; the c. name uses the placement nearest the transcript's 3' end. VCF-style (leftmost placement, unchanged base first): chr2-231272994-TGCTGGAGGGAAG-T. GRCh37 (hg19) VCF-style: chr2-232137707-TGCTGGAGGGAAG-T.
Other names: c.1255_1266del, p.Glu419_Leu422del (NM_001271466.4, NM_001291656.2, NM_001352755.2 and 3 more transcripts); c.1156_1167del, p.Glu386_Leu389del (NM_001352757.2, NM_001352758.2).
Identifiers: ClinVar variation 937881 (VCV000937881.8), dbSNP rs1404357735, ClinGen allele CA539945580.

ClinVar aggregate classification (germline): Uncertain significance. Review status: criteria provided, multiple submitters, no conflicts (2 of 4 stars). 2 submissions from 2 submitters: Uncertain significance (2). Last evaluated 2022-10-13.

Submissions (2):

Labcorp Genetics (formerly Invitae), Labcorp
Classification: Uncertain significance. Last evaluated: 2022-10-13. Review status: criteria provided, single submitter. Criteria: Invitae Variant Classification Sherloc (09022015). Collection method: clinical testing. Allele origin: germline.
Comment: This variant, c.1255_1266del, results in the deletion of 4 amino acid(s) of the ARMC9 protein (p.Glu419_Leu422del), but otherwise preserves the integrity of the reading frame. This variant is present in population databases (no rsID available, gnomAD 0.007%). This variant has not been reported in the literature in individuals affected with ARMC9-related conditions. ClinVar contains an entry for this variant (Variation ID: 937881). Experimental studies and prediction algorithms are not available or were not evaluated, and the functional significance of this variant is currently unknown. In summary, the available evidence is currently insufficient to determine the role of this variant in disease. Therefore, it has been classified as a Variant of Uncertain Significance.

Blueprint Genetics
Classification: Uncertain significance. Last evaluated: 2019-04-20. Review status: criteria provided, single submitter. Criteria: ACMG Guidelines, 2015. Collection method: clinical testing. Allele origin: germline.